The following is an entry in ClinVar:

ClinVar aggregate classification (germline): Uncertain significance. Review status: criteria provided, multiple submitters, no conflicts (2 of 4 stars). 4 submissions from 4 submitters: Uncertain significance (4). Last evaluated 2025-11-10.

Conditions:
Cardiovascular phenotype. Identifiers: MedGen CN230736.

Allele frequency attached by ClinVar (database versions not stated): gnomAD 0.00001; gnomAD exomes 0.00002.
gnomAD v4.1: 18 of 1,534,636 alleles (0.0012%); highest among the groups gnomAD compares: Non-Finnish European, 0.0014%; no homozygotes.

Submissions (4):

Women's Health and Genetics/Laboratory Corporation of America, LabCorp
Classification: Uncertain significance. Last evaluated: 2025-11-10. Review status: criteria provided, single submitter. Criteria: LabCorp Variant Classification Summary - May 2015. Collection method: clinical testing. Allele origin: germline.
Comment: Variant summary: ZNF469 c.9367C>T (p.Arg3123Cys) results in a non-conservative amino acid change in the encoded protein sequence. Algorithms developed to predict the effect of missense changes on protein structure and function are either unavailable or do not agree on the potential impact of this missense change. The variant allele was found at a frequency of 2.2e-05 in 134448 control chromosomes. The available data on variant occurrences in the general population are insufficient to allow any conclusion about variant significance. To our knowledge, no occurrence of c.9367C>T in individuals affected with ZNF469-related conditions and no experimental evidence demonstrating its impact on protein function have been reported. ClinVar contains an entry for this variant (Variation ID: 1311308). Based on the evidence outlined above, the variant was classified as uncertain significance.

Blueprint Genetics
Classification: Uncertain significance. Last evaluated: 2024-10-17. Review status: criteria provided, single submitter. Criteria: ACMG Guidelines, 2015. Collection method: clinical testing. Allele origin: germline.

Ambry Genetics
Classification: Uncertain significance for Cardiovascular phenotype. Last evaluated: 2023-05-23. Review status: criteria provided, single submitter. Criteria: Ambry Variant Classification Scheme 2023. Collection method: clinical testing. Allele origin: germline.

GeneDx
Classification: Uncertain significance. Last evaluated: 2019-12-23. Review status: criteria provided, single submitter. Criteria: GeneDx Variant Classification Process June 2021. Collection method: clinical testing. Allele origin: germline. Affected: yes.
Comment: Has not been previously published as pathogenic or benign to our knowledge; Not observed at a significant frequency in large population cohorts (Lek et al., 2016); In silico analysis, which includes protein predictors and evolutionary conservation, supports a deleterious effect

NM_001367624.2(ZNF469):c.9367C>T (p.Arg3123Cys)

Gene: ZNF469 (zinc finger protein 469; plus strand). Cytogenetic location: 16q24.2.
Variant type: single nucleotide variant.
Coding change: c.9367C>T on transcript NM_001367624.2 (MANE Select); coding-DNA position 9367, C replaced by T.
Protein change: p.Arg3123Cys; replaces arginine 3123 with cysteine.
Molecular consequence: missense variant.
Genome position (GRCh38, 1-based): chr16:88,436,837, C>T. VCF-style: chr16-88436837-C-T. GRCh37 (hg19) VCF-style: chr16-88503245-C-T.
Other names: NM_001127464.1:c.9283C>T; short protein forms R3123C.
Identifiers: ClinVar variation 1311308 (VCV001311308.6), dbSNP rs902647292, ClinGen allele CA286385341.
Genomic context (GRCh38, chr16:88,436,837, plus strand): 5'-GGCAGAGGCCGGCCGGCCAAGGGCAGGCGGGCCTCCTACAAGTGCAAAGTGTGCTTCCAG[C>T]GCTTCCGCAGCCTGGGCGAGCTGGACCTGCACAAGCTGGCCCACACGCCCGCGCCGCCGC-3'
Protein context (NP_001354553.1, residues 3113-3133): ASYKCKVCFQ[Arg3123Cys]FRSLGELDLH